The following is an entry in ClinVar:

ClinVar aggregate classification (germline): Likely benign (1 of 4 stars; one submission).

Conditions:
TRPM1-related disorder. Also called: TRPM1-related condition.

gnomAD v4.1: 3 of 1,614,064 alleles (0.00019%); highest among the groups gnomAD compares: African/African-American, 0.0027%; no homozygotes.

Submission:

PreventionGenetics, part of Exact Sciences
Classification: Likely benign for TRPM1-related condition. Last evaluated: 2025-10-19. Review status: criteria provided, single submitter. Criteria: ACMG Guidelines, 2015. Collection method: clinical testing. Allele origin: germline.
Comment: This variant is classified as likely benign based on ACMG/AMP sequence variant interpretation guidelines (Richards et al. 2015 PMID: 25741868, with internal and published modifications).

NM_001252024.2(TRPM1):c.3293+4C>A

Genes: TRPM1 (transient receptor potential cation channel subfamily M member 1; minus strand), TRPM1-AS1 (TRPM1 antisense RNA 1; plus strand). Cytogenetic location: 15q13.3.
Variant type: single nucleotide variant.
Coding change: c.3293+4C>A on transcript NM_001252024.2 (MANE Select); 4 bases into the intron after coding-DNA position 3293, C replaced by A.
Molecular consequence: intron variant.
Genome position (GRCh38, 1-based): chr15:31,028,328, G>T on the plus strand (C>A on the coding strand, the complement: TRPM1 is on the minus strand). VCF-style: chr15-31028328-G-T. GRCh37 (hg19) VCF-style: chr15-31320531-G-T.
Other names: c.3344+4C>A (NM_001252020.2); c.3227+4C>A (NM_002420.6).
Identifiers: ClinVar variation 4988551 (VCV004988551.1).